The following is an entry in ClinVar:

ClinVar aggregate classification (germline): Likely pathogenic. Review status: criteria provided, multiple submitters, no conflicts (2 of 4 stars). 2 submissions from 2 submitters: Likely pathogenic (2). Last evaluated 2025-10-02.

Conditions:
X-linked Alport syndrome (ATS1). Also called: NEPHROPATHY AND DEAFNESS, X-LINKED; COL4A5-Related Nephropathy. Identifiers: Orphanet 63, Orphanet 88917, MedGen C4746986, MONDO:0010520, OMIM 301050.

Submissions (2):

Natera, Inc.
Classification: Likely pathogenic for X-linked Alport syndrome. Last evaluated: 2025-10-02. Review status: criteria provided, single submitter. Criteria: Natera Variant Classification Schema (03/2026). Collection method: clinical testing. Allele origin: germline.
Comment: The c.3473G>A variant in COL4A5 is a missense variant predicted to cause substitution of glycine to glutamic acid at amino acid 1158. This variant is rare in the general population with a frequency below the threshold expected for the associated phenotype(s). This variant has been observed in affected individual(s) with monoallelic occurrence (heterozygous/hemizygous) (PMID: 33369211). This variant is located in a functionally critical region of the protein. Computational prediction algorithms indicate this variant is likely to affect gene or protein function. Given the available evidence, this variant is classified as Likely Pathogenic.

Medical Genetics, University of Parma
Classification: Likely pathogenic for X-linked Alport syndrome. Last evaluated: 2020-03-11. Review status: criteria provided, single submitter. Criteria: ACMG Guidelines, 2015. Collection method: clinical testing. Allele origin: germline. Affected: yes.

Literature cited by the submitters: PubMed 33369211 (cited by Natera, Inc.).

NM_033380.3(COL4A5):c.3473G>A (p.Gly1158Glu)

Gene: COL4A5 (collagen type IV alpha 5 chain; plus strand). Cytogenetic location: Xq22.3.
Variant type: single nucleotide variant.
Coding change: c.3473G>A on transcript NM_033380.3 (MANE Select); coding-DNA position 3473, G replaced by A.
Protein change: p.Gly1158Glu; replaces glycine 1158 with glutamic acid.
Molecular consequence: missense variant.
Genome position (GRCh38, 1-based): chrX:108,666,514, G>A. VCF-style: chrX-108666514-G-A. GRCh37 (hg19) VCF-style: chrX-107909744-G-A.
Other names: c.3473G>A (NM_000495.4); c.3473G>A, p.Gly1158Glu (NM_000495.5); short protein forms G1158E.
Identifiers: ClinVar variation 870365 (VCV000870365.2), dbSNP rs2068082287, ClinGen allele CA413847683.